The following is an entry in ClinVar:

ClinVar aggregate classification (germline): Uncertain significance. Review status: criteria provided, multiple submitters, no conflicts (2 of 4 stars). 3 submissions from 3 submitters: Uncertain significance (3). Last evaluated 2022-07-20.

Conditions:
Eichsfeld type congenital muscular dystrophy (CMYO3). Also called: MYOPATHY, SEPN1-RELATED; Rigid spine muscular dystrophy 1; SELENON-related myopathy; Congenital myopathy 3 with rigid spine. Identifiers: MedGen C0410180, MONDO:0100100, OMIM 602771.
Inborn genetic diseases. Identifiers: MedGen C0950123, MeSH D030342.

Allele frequency attached by ClinVar (database versions not stated): gnomAD 0.00001; gnomAD exomes 0.00001 and 0.00002; ExAC 0.00003; TOPMed 0.00002.
gnomAD v4.1: 21 of 1,613,886 alleles (0.0013%); highest among the groups gnomAD compares: Admixed American, 0.0017%; no homozygotes.

Submissions (3):

Ambry Genetics
Classification: Uncertain significance for Inborn genetic diseases. Last evaluated: 2022-07-20. Review status: criteria provided, single submitter. Criteria: Ambry Variant Classification Scheme 2023. Collection method: clinical testing. Allele origin: germline.

Labcorp Genetics (formerly Invitae), Labcorp
Classification: Uncertain significance for Eichsfeld type congenital muscular dystrophy. Last evaluated: 2022-07-11. Review status: criteria provided, single submitter. Criteria: Invitae Variant Classification Sherloc (09022015). Collection method: clinical testing. Allele origin: germline.
Comment: This variant has not been reported in the literature in individuals affected with SELENON-related conditions. In summary, the available evidence is currently insufficient to determine the role of this variant in disease. Therefore, it has been classified as a Variant of Uncertain Significance. Algorithms developed to predict the effect of missense changes on protein structure and function are either unavailable or do not agree on the potential impact of this missense change (SIFT: "Deleterious"; PolyPhen-2: "Possibly Damaging"; Align-GVGD: "Class C15"). ClinVar contains an entry for this variant (Variation ID: 285621). This variant is present in population databases (rs754161311, gnomAD 0.005%). This sequence change replaces arginine, which is basic and polar, with cysteine, which is neutral and slightly polar, at codon 204 of the SELENON protein (p.Arg204Cys).

Eurofins Ntd Llc (ga)
Classification: Uncertain significance. Last evaluated: 2016-01-05. Review status: criteria provided, single submitter. Criteria: EGL Classification Definitions 2015. Collection method: clinical testing. Allele origin: germline. Observed: 1 variant allele, 1 heterozygote.

NM_206926.2(SELENON):c.508C>T (p.Arg170Cys)

Gene: SELENON (selenoprotein N; plus strand). Cytogenetic location: 1p36.11.
Variant type: single nucleotide variant.
Coding change: c.508C>T on transcript NM_206926.2 (MANE Select); coding-DNA position 508, C replaced by T.
Protein change: p.Arg170Cys; replaces arginine 170 with cysteine.
Molecular consequence: missense variant.
Genome position (GRCh38, 1-based): chr1:25,808,652, C>T. VCF-style: chr1-25808652-C-T. GRCh37 (hg19) VCF-style: chr1-26135143-C-T.
Other names: c.610C>T, p.Arg204Cys (NM_020451.3); short protein forms R204C, R170C.
Identifiers: ClinVar variation 285621 (VCV000285621.16), dbSNP rs754161311, ClinGen allele CA696576.